The following is an entry in ClinVar:

NM_014845.6(FIG4):c.788A>G (p.Tyr263Cys)

Gene: FIG4 (FIG4 phosphoinositide 5-phosphatase; plus strand). Cytogenetic location: 6q21.
Variant type: single nucleotide variant.
Coding change: c.788A>G on transcript NM_014845.6 (MANE Select); coding-DNA position 788, A replaced by G.
Protein change: p.Tyr263Cys; replaces tyrosine 263 with cysteine.
Molecular consequence: missense variant.
Genome position (GRCh38, 1-based): chr6:109,741,456, A>G. VCF-style: chr6-109741456-A-G. GRCh37 (hg19) VCF-style: chr6-110062659-A-G.
Other names: short protein forms Y263C.
Identifiers: ClinVar variation 937225 (VCV000937225.15), dbSNP rs370148297, ClinGen allele CA145136065.
Genomic context (GRCh38, chr6:109,741,456, plus strand): 5'-CTTATGTGACAGTCATGAATGCTAAACAACCTTAACTTGATTTCCAAGAGCTGTTGATCT[A>G]TGGACGACCAGTGTATGTCACTCTAATAGCTAGAAGATCCAGTAAATTTGCTGGCACCCG-3'
Protein context (NP_055660.1, residues 253-273): GFCGQSKLLI[Tyr263Cys]GRPVYVTLIA

ClinVar aggregate classification (germline): Uncertain significance. Review status: criteria provided, multiple submitters, no conflicts (2 of 4 stars). 3 submissions from 3 submitters: Uncertain significance (3). Last evaluated 2025-07-18.

Conditions:
Charcot-Marie-Tooth disease type 4. Also called: Charcot-Marie-Tooth, Type 4; Charcot-Marie-Tooth disease, type IV. Identifiers: Orphanet 64749, MedGen C4082197, MONDO:0018995.
Inborn genetic diseases. Identifiers: MedGen C0950123, MeSH D030342.

Allele frequency attached by ClinVar (database versions not stated): TOPMed 0.00001; gnomAD exomes below 0.00001; gnomAD 0.00001.
gnomAD v4.1: 9 of 1,611,446 alleles (0.00056%); highest among the groups gnomAD compares: Middle Eastern, 0.016%; no homozygotes.

Submissions (3):

GeneDx
Classification: Uncertain significance. Last evaluated: 2025-07-18. Review status: criteria provided, single submitter. Criteria: GeneDx Variant Classification Process June 2021. Collection method: clinical testing. Allele origin: germline. Affected: yes.
Comment: Not observed at significant frequency in large population cohorts (gnomAD); In silico analysis supports that this missense variant has a deleterious effect on protein structure/function; Has not been previously published as pathogenic or benign to our knowledge; This variant is associated with the following publications: (PMID: 24598713)

Ambry Genetics
Classification: Uncertain significance for Inborn genetic diseases. Last evaluated: 2023-07-13. Review status: criteria provided, single submitter. Criteria: Ambry Variant Classification Scheme 2023. Collection method: clinical testing. Allele origin: germline.
Comment: The p.Y263C variant (also known as c.788A>G), located in coding exon 8 of the FIG4 gene, results from an A to G substitution at nucleotide position 788. The tyrosine at codon 263 is replaced by cysteine, an amino acid with highly dissimilar properties. This amino acid position is conserved. In addition, this alteration is predicted to be deleterious by in silico analysis. Since supporting evidence is limited at this time, the clinical significance of this alteration remains unclear.

Labcorp Genetics (formerly Invitae), Labcorp
Classification: Uncertain significance for Charcot-Marie-Tooth disease type 4. Last evaluated: 2019-08-23. Review status: criteria provided, single submitter. Criteria: Invitae Variant Classification Sherloc (09022015). Collection method: clinical testing. Allele origin: germline.
Comment: This sequence change replaces tyrosine with cysteine at codon 263 of the FIG4 protein (p.Tyr263Cys). The tyrosine residue is moderately conserved and there is a large physicochemical difference between tyrosine and cysteine. This variant is not present in population databases (ExAC no frequency). This variant has not been reported in the literature in individuals with FIG4-related conditions. Algorithms developed to predict the effect of missense changes on protein structure and function are either unavailable or do not agree on the potential impact of this missense change (SIFT: "Tolerated"; PolyPhen-2: "Possibly Damaging"; Align-GVGD: "Class C0"). In summary, the available evidence is currently insufficient to determine the role of this variant in disease. Therefore, it has been classified as a Variant of Uncertain Significance.